The following is an entry in ClinVar:

NM_001174089.2(SLC4A11):c.2089_2092del (p.Phe697fs)

Gene: SLC4A11 (solute carrier family 4 member 11; minus strand). Cytogenetic location: 20p13.
Variant type: Deletion.
Coding change: c.2089_2092del on transcript NM_001174089.2 (MANE Select); coding-DNA positions 2089 to 2092, 4 bases deleted (TTTG; older notation c.2089_2092delTTTG).
Protein change: p.Phe697fs; shifts the reading frame from phenylalanine 697.
Molecular consequence: frameshift variant. On other transcripts: non-coding transcript variant (1).
Genome position (GRCh38, 1-based): chr20:3,228,938-3,228,941, CAAA deleted on the plus strand (TTTG on the coding strand, the reverse complement: SLC4A11 is on the minus strand); deleting any 4 consecutive bases within chr20:3,228,938-3,228,943 gives the same sequence; the c. name uses the placement nearest the transcript's 3' end. VCF-style (leftmost placement, unchanged base first): chr20-3228937-CCAAA-C. GRCh37 (hg19) VCF-style: chr20-3209583-CCAAA-C.
Other names: c.2218_2221del, p.Phe740fs (NM_001174090.2); c.1975_1978del, p.Phe659fs (NM_001363745.2); c.2137_2140del, p.Phe713fs (NM_032034.4); c.2137_2140delTTTG (NM_032034.3); short protein forms F659fs, F697fs, F740fs, F713fs.
Identifiers: ClinVar variation 1395344 (VCV001395344.7), dbSNP rs1377933433, ClinGen allele CA743604099.

ClinVar aggregate classification (germline): Pathogenic/Likely pathogenic. Review status: criteria provided, multiple submitters, no conflicts (2 of 4 stars). 2 submissions from 2 submitters: Pathogenic (1); Likely pathogenic (1). Last evaluated 2025-03-31.

Conditions:
SLC4A11-related disorder. Also called: SLC4A11-related condition.

Submissions (2):

PreventionGenetics, part of Exact Sciences
Classification: Likely pathogenic for SLC4A11-related condition. Last evaluated: 2025-03-31. Review status: criteria provided, single submitter. Criteria: ACMG Guidelines, 2015. Collection method: clinical testing. Allele origin: germline.
Comment: The SLC4A11 c.2137_2140delTTTG variant is predicted to result in a frameshift and premature protein termination (p.Phe713Glyfs*21). To our knowledge, this variant has not been reported in the literature or in a large population database (gnomAD), indicating this variant is rare. Frameshift variants in SLC4A11 are expected to be pathogenic. This variant is interpreted as likely pathogenic.

Labcorp Genetics (formerly Invitae), Labcorp
Classification: Pathogenic. Last evaluated: 2023-08-19. Review status: criteria provided, single submitter. Criteria: Invitae Variant Classification Sherloc (09022015). Collection method: clinical testing. Allele origin: germline.
Comment: For these reasons, this variant has been classified as Pathogenic. ClinVar contains an entry for this variant (Variation ID: 1395344). This variant has not been reported in the literature in individuals affected with SLC4A11-related conditions. This variant is not present in population databases (gnomAD no frequency). This sequence change creates a premature translational stop signal (p.Phe713Glyfs*21) in the SLC4A11 gene. It is expected to result in an absent or disrupted protein product. Loss-of-function variants in SLC4A11 are known to be pathogenic (PMID: 17220209, 17679935).

Literature cited by the submitters: PubMed 17220209 (cited by Labcorp Genetics (formerly Invitae), Labcorp); PubMed 17679935 (cited by Labcorp Genetics (formerly Invitae), Labcorp).